The following is an entry in ClinVar:

ClinVar aggregate classification (germline): Uncertain significance (1 of 4 stars; one submission).

Conditions:
ALG11-congenital disorder of glycosylation. Also called: CONGENITAL DISORDER OF GLYCOSYLATION, TYPE Ip; ALG11-CDG. Identifiers: Orphanet 280071, MedGen C3150913, MONDO:0013349, OMIM 613661.

Allele frequency attached by ClinVar (database versions not stated): gnomAD 0.00001; TOPMed below 0.00001.
gnomAD v4.1: 2 of 1,613,960 alleles (0.00012%); highest among the groups gnomAD compares: African/African-American, 0.0027%; no homozygotes.

Submission:

Labcorp Genetics (formerly Invitae), Labcorp
Classification: Uncertain significance for ALG11-congenital disorder of glycosylation. Last evaluated: 2022-08-16. Review status: criteria provided, single submitter. Criteria: Invitae Variant Classification Sherloc (09022015). Collection method: clinical testing. Allele origin: germline.
Comment: Algorithms developed to predict the effect of missense changes on protein structure and function (SIFT, PolyPhen-2, Align-GVGD) all suggest that this variant is likely to be disruptive. This sequence change replaces arginine, which is basic and polar, with glycine, which is neutral and non-polar, at codon 80 of the ALG11 protein (p.Arg80Gly). The frequency data for this variant in the population databases is considered unreliable, as metrics indicate poor data quality at this position in the gnomAD database. This variant has not been reported in the literature in individuals affected with ALG11-related conditions. In summary, the available evidence is currently insufficient to determine the role of this variant in disease. Therefore, it has been classified as a Variant of Uncertain Significance.

NM_001004127.3(ALG11):c.238A>G (p.Arg80Gly)

Gene: ALG11 (ALG11 alpha-1,2-mannosyltransferase; plus strand). Cytogenetic location: 13q14.3.
Variant type: single nucleotide variant.
Coding change: c.238A>G on transcript NM_001004127.3 (MANE Select); coding-DNA position 238, A replaced by G.
Protein change: p.Arg80Gly; replaces arginine 80 with glycine.
Molecular consequence: missense variant.
Genome position (GRCh38, 1-based): chr13:52,019,106, A>G. VCF-style: chr13-52019106-A-G. GRCh37 (hg19) VCF-style: chr13-52593242-A-G.
Other names: short protein forms R80G.
Identifiers: ClinVar variation 1918513 (VCV001918513.5), dbSNP rs1183900158, ClinGen allele CA388011099.